The following is an entry in ClinVar:

NM_001849.4(COL6A2):c.1067A>C (p.Tyr356Ser)

Gene: COL6A2 (collagen type VI alpha 2 chain; plus strand). Cytogenetic location: 21q22.3.
Variant type: single nucleotide variant.
Coding change: c.1067A>C on transcript NM_001849.4 (MANE Select); coding-DNA position 1067, A replaced by C.
Protein change: p.Tyr356Ser; replaces tyrosine 356 with serine.
Molecular consequence: missense variant.
Genome position (GRCh38, 1-based): chr21:46,117,887, A>C. VCF-style: chr21-46117887-A-C. GRCh37 (hg19) VCF-style: chr21-47537801-A-C.
Other names: c.1067A>C, p.Tyr356Ser (NM_058174.3, NM_058175.3); short protein forms Y356S.
Identifiers: ClinVar variation 1037342 (VCV001037342.9), dbSNP rs1218992420, ClinGen allele CA410527484.

ClinVar aggregate classification (germline): Uncertain significance (1 of 4 stars; one submission).

Conditions:
Bethlem myopathy 1A. Also called: Bethlem Muscular Dystrophy; MYOPATHY, BENIGN CONGENITAL, WITH CONTRACTURES; Bethlem myopathy 1. Identifiers: Orphanet 610, MedGen CN029274, MONDO:0024530, OMIM 158810.

Allele frequency attached by ClinVar (database versions not stated): gnomAD exomes 0.00001.
gnomAD v4.1: 17 of 1,612,202 alleles (0.0011%); highest among the groups gnomAD compares: Non-Finnish European, 0.0014%; no homozygotes.

Submission:

Labcorp Genetics (formerly Invitae), Labcorp
Classification: Uncertain significance for Bethlem myopathy 1A. Last evaluated: 2022-02-03. Review status: criteria provided, single submitter. Criteria: Invitae Variant Classification Sherloc (09022015). Collection method: clinical testing. Allele origin: germline.
Comment: This sequence change replaces tyrosine, which is neutral and polar, with serine, which is neutral and polar, at codon 356 of the COL6A2 protein (p.Tyr356Ser). This variant is present in population databases (no rsID available, gnomAD 0.002%). This variant has not been reported in the literature in individuals affected with COL6A2-related conditions. ClinVar contains an entry for this variant (Variation ID: 1037342). Advanced modeling of protein sequence and biophysical properties (such as structural, functional, and spatial information, amino acid conservation, physicochemical variation, residue mobility, and thermodynamic stability) performed at Invitae indicates that this missense variant is not expected to disrupt COL6A2 protein function. In summary, the available evidence is currently insufficient to determine the role of this variant in disease. Therefore, it has been classified as a Variant of Uncertain Significance.